The following is an entry in ClinVar:

NM_006005.3(WFS1):c.2417C>T (p.Ala806Val)

Gene: WFS1 (wolframin ER transmembrane glycoprotein; plus strand). Cytogenetic location: 4p16.1.
Variant type: single nucleotide variant.
Coding change: c.2417C>T on transcript NM_006005.3 (MANE Select); coding-DNA position 2417, C replaced by T.
Protein change: p.Ala806Val; replaces alanine 806 with valine.
Molecular consequence: missense variant.
Genome position (GRCh38, 1-based): chr4:6,302,212, C>T. VCF-style: chr4-6302212-C-T. GRCh37 (hg19) VCF-style: chr4-6303939-C-T.
Other names: c.2417C>T, p.Ala806Val (NM_001145853.1); short protein forms A806V.
Identifiers: ClinVar variation 2901882 (VCV002901882.3), dbSNP rs1730964415, ClinGen allele CA356178537.

ClinVar aggregate classification (germline): Uncertain significance (1 of 4 stars; one submission).

Allele frequency attached by ClinVar (database versions not stated): TOPMed below 0.00001; gnomAD 0.00001.
gnomAD v4.1: 1 of 1,610,676 alleles (0.000062%); highest among the groups gnomAD compares: Non-Finnish European, 0.000085%; no homozygotes.

Submission:

Labcorp Genetics (formerly Invitae), Labcorp
Classification: Uncertain significance. Last evaluated: 2023-06-14. Review status: criteria provided, single submitter. Criteria: Invitae Variant Classification Sherloc (09022015). Collection method: clinical testing. Allele origin: germline.
Comment: This sequence change replaces alanine, which is neutral and non-polar, with valine, which is neutral and non-polar, at codon 806 of the WFS1 protein (p.Ala806Val). This variant is not present in population databases (gnomAD no frequency). This variant has not been reported in the literature in individuals affected with WFS1-related conditions. Advanced modeling of protein sequence and biophysical properties (such as structural, functional, and spatial information, amino acid conservation, physicochemical variation, residue mobility, and thermodynamic stability) has been performed at Invitae for this missense variant, however the output from this modeling did not meet the statistical confidence thresholds required to predict the impact of this variant on WFS1 protein function. This variant disrupts the p.Ala806 amino acid residue in WFS1. Other variant(s) that disrupt this residue have been determined to be pathogenic (PMID: 24890733; external communication). This suggests that this residue is clinically significant, and that variants that disrupt this residue are likely to be disease-causing. In summary, the available evidence is currently insufficient to determine the role of this variant in disease. Therefore, it has been classified as a Variant of Uncertain Significance.

Literature cited by the submitters: PubMed 24890733.